The following is an entry in ClinVar:

NM_000093.5(COL5A1):c.1264G>A (p.Asp422Asn)

Gene: COL5A1 (collagen type V alpha 1 chain; plus strand). Cytogenetic location: 9q34.3.
Variant type: single nucleotide variant.
Coding change: c.1264G>A on transcript NM_000093.5 (MANE Select); coding-DNA position 1264, G replaced by A.
Protein change: p.Asp422Asn; replaces aspartic acid 422 with asparagine.
Molecular consequence: missense variant.
Genome position (GRCh38, 1-based): chr9:134,731,595, G>A. VCF-style: chr9-134731595-G-A. GRCh37 (hg19) VCF-style: chr9-137623441-G-A.
Other names: c.1264G>A, p.Asp422Asn (NM_001278074.1); short protein forms D422N.
Identifiers: ClinVar variation 1810547 (VCV001810547.4), dbSNP rs760798318, ClinGen allele CA5318693.

ClinVar aggregate classification (germline): Conflicting classifications of pathogenicity. Review status: criteria provided, conflicting classifications (1 of 4 stars). 3 submissions from 3 submitters: Uncertain significance (2); Benign (1). Last evaluated 2026-01-06.

Conditions:
Ehlers-Danlos syndrome, classic type, 1 (EDSCL1). Also called: Ehlers-Danlos syndrome, type 1; Ehlers-Danlos Syndrome, Classic Type, COL5A1-Related; EDS I; EHLERS-DANLOS SYNDROME, GRAVIS TYPE; EHLERS-DANLOS SYNDROME, SEVERE CLASSIC TYPE. Identifiers: MedGen C0268335, MONDO:0019567, OMIM 130000.

Allele frequency attached by ClinVar (database versions not stated): ExAC 0.00001.
gnomAD v4.1: 2 of 1,614,184 alleles (0.00012%); highest among the groups gnomAD compares: Admixed American, 0.0017%; no homozygotes.

Submissions (3):

Labcorp Genetics (formerly Invitae), Labcorp
Classification: Benign for Ehlers-Danlos syndrome, classic type, 1. Last evaluated: 2026-01-06. Review status: criteria provided, single submitter. Criteria: Invitae Variant Classification Sherloc (09022015). Collection method: clinical testing. Allele origin: germline.

ARUP Laboratories, Molecular Genetics and Genomics, ARUP Laboratories
Classification: Uncertain significance. Last evaluated: 2025-06-18. Review status: criteria provided, single submitter. Criteria: ARUP Molecular Germline Variant Investigation Process 2024. Collection method: clinical testing. Allele origin: germline.
Comment: The COL5A1 c.1264G>A; p.Asp422Asn variant (rs760798318), to our knowledge, is not reported in the medical literature but is reported in ClinVar (Variation ID: 1810547). This variant is only observed on one allele in the Genome Aggregation Database (v2.1.1), indicating it is not a common polymorphism. Computational analyses are uncertain whether this variant is neutral or deleterious (REVEL: 0.299). Due to limited information, the clinical significance of this variant is uncertain at this time.

GeneDx
Classification: Uncertain significance. Last evaluated: 2022-07-07. Review status: criteria provided, single submitter. Criteria: GeneDx Variant Classification Process June 2021. Collection method: clinical testing. Allele origin: germline. Affected: yes.
Comment: Not observed at significant frequency in large population cohorts (gnomAD); In silico analysis supports that this missense variant does not alter protein structure/function; Has not been previously published as pathogenic or benign to our knowledge; Not located in the triple helical region, where the majority of pathogenic missense variants occur (Symoens et al., 2012; HGMD); This variant is associated with the following publications: (PMID: 22696272)